The following is an entry in ClinVar:

ClinVar aggregate classification (germline): Uncertain significance (1 of 4 stars; one submission).

Conditions:
Fanconi anemia (FA). Also called: Fanconi's anemia. Identifiers: Orphanet 84, MedGen C0015625, MeSH D005199, MONDO:0019391.

Submission:

Labcorp Genetics (formerly Invitae), Labcorp
Classification: Uncertain significance for Fanconi anemia. Last evaluated: 2025-08-29. Review status: criteria provided, single submitter. Criteria: Invitae Variant Classification Sherloc (09022015). Collection method: clinical testing. Allele origin: germline.
Comment: This sequence change replaces aspartic acid, which is acidic and polar, with glycine, which is neutral and non-polar, at codon 1626 of the FANCM protein (p.Asp1626Gly). This variant is not present in population databases (gnomAD no frequency). This variant has not been reported in the literature in individuals affected with FANCM-related conditions. An algorithm developed to predict the effect of missense changes on protein structure and function (PolyPhen-2) suggests that this variant is likely to be disruptive. In summary, the available evidence is currently insufficient to determine the role of this variant in disease. Therefore, it has been classified as a Variant of Uncertain Significance.

NM_020937.4(FANCM):c.4877A>G (p.Asp1626Gly)

Gene: FANCM (FA complementation group M; plus strand). Cytogenetic location: 14q21.2.
Variant type: single nucleotide variant.
Coding change: c.4877A>G on transcript NM_020937.4 (MANE Select); coding-DNA position 4877, A replaced by G.
Protein change: p.Asp1626Gly; replaces aspartic acid 1626 with glycine.
Molecular consequence: missense variant.
Genome position (GRCh38, 1-based): chr14:45,188,899, A>G. VCF-style: chr14-45188899-A-G. GRCh37 (hg19) VCF-style: chr14-45658102-A-G.
Other names: c.4799A>G, p.Asp1600Gly (NM_001308133.2); short protein forms D1626G, D1600G.
Identifiers: ClinVar variation 4726275 (VCV004726275.1).